The following is an entry in ClinVar:

NM_014780.5(CUL7):c.2115C>T (p.His705=)

Gene: CUL7 (cullin 7; minus strand). Cytogenetic location: 6p21.1.
Variant type: single nucleotide variant.
Coding change: c.2115C>T on transcript NM_014780.5 (MANE Select); coding-DNA position 2115, C replaced by T.
Protein change: p.His705=; no amino-acid change (histidine 705 retained).
Molecular consequence: synonymous variant.
Genome position (GRCh38, 1-based): chr6:43,048,202, G>A on the plus strand (C>T on the coding strand, the complement: CUL7 is on the minus strand). VCF-style: chr6-43048202-G-A. GRCh37 (hg19) VCF-style: chr6-43015940-G-A.
Other names: c.2211C>T, p.His737= (NM_001168370.2, NM_001374872.1); c.2115C>T, p.His705= (NM_001374873.1, NM_001374874.1).
Identifiers: ClinVar variation 356843 (VCV000356843.23), dbSNP rs143128153, ClinGen allele CA3813985.

ClinVar aggregate classification (germline): Conflicting classifications of pathogenicity. Review status: criteria provided, conflicting classifications (1 of 4 stars). 6 submissions from 6 submitters: Uncertain significance (2); Likely benign (3). 1 of the submissions does not count toward it. Last evaluated 2026-01-09.

Conditions:
CUL7-related disorder. Also called: CUL7-related condition.
3M syndrome 1. Also called: 3-M Syndrome, CUL7-Related. Identifiers: Orphanet 2616, MedGen C2678312, MONDO:0010117, OMIM 273750.

Allele frequency attached by ClinVar (database versions not stated): ESP Exome Variant Server 0.00031; 1000 Genomes Project 30x 0.00047; ExAC 0.00047; gnomAD exomes 0.00056; 1000 Genomes Project 0.00060; gnomAD 0.00098; TOPMed 0.00122.
gnomAD v4.1: 587 of 1,614,102 alleles (0.036%); highest among the groups gnomAD compares: Middle Eastern, 0.25%; 3 homozygotes.

Submissions (6):

Labcorp Genetics (formerly Invitae), Labcorp
Classification: Likely benign. Last evaluated: 2026-01-09. Review status: criteria provided, single submitter. Criteria: Invitae Variant Classification Sherloc (09022015). Collection method: clinical testing. Allele origin: germline.

Blueprint Genetics
Classification: Likely benign. Last evaluated: 2024-10-17. Review status: criteria provided, single submitter. Criteria: ACMG Guidelines, 2015. Collection method: clinical testing. Allele origin: germline.

Women's Health and Genetics/Laboratory Corporation of America, LabCorp
Classification: Likely benign. Last evaluated: 2024-02-16. Review status: criteria provided, single submitter. Criteria: LabCorp Variant Classification Summary - May 2015. Collection method: clinical testing. Allele origin: germline.

Illumina Laboratory Services, Illumina
Classification: Uncertain significance for 3M syndrome 1. Last evaluated: 2018-01-12. Review status: criteria provided, single submitter. Criteria: ICSL Variant Classification Criteria 13 December 2019. Collection method: clinical testing. Allele origin: germline.

Eurofins Ntd Llc (ga)
Classification: Uncertain significance. Last evaluated: 2017-12-15. Review status: criteria provided, single submitter. Criteria: EGL Classification Definitions 2015. Collection method: clinical testing. Allele origin: germline. Observed: 1 variant allele, 1 heterozygote.

PreventionGenetics, part of Exact Sciences
Classification: Likely benign for CUL7-related condition. Last evaluated: 2021-10-14. Review status: no assertion criteria provided. Collection method: clinical testing. Allele origin: germline. Not counted in ClinVar's aggregate classification.
Comment: This variant is classified as likely benign based on ACMG/AMP sequence variant interpretation guidelines (Richards et al. 2015 PMID: 25741868, with internal and published modifications).